The following is an entry in ClinVar:

NM_000312.4(PROC):c.580C>T (p.Arg194Cys)

Gene: PROC (protein C, inactivator of coagulation factors Va and VIIIa; plus strand). Cytogenetic location: 2q14.3.
Variant type: single nucleotide variant.
Coding change: c.580C>T on transcript NM_000312.4 (MANE Select); coding-DNA position 580, C replaced by T.
Protein change: p.Arg194Cys; replaces arginine 194 with cysteine.
Molecular consequence: missense variant.
Genome position (GRCh38, 1-based): chr2:127,426,129, C>T. VCF-style: chr2-127426129-C-T. GRCh37 (hg19) VCF-style: chr2-128183705-C-T.
Other names: c.763C>T, p.Arg255Cys (NM_001375602.1); c.745C>T, p.Arg249Cys (NM_001375603.1); c.643C>T, p.Arg215Cys (NM_001375604.1); c.682C>T, p.Arg228Cys (NM_001375605.1); c.748C>T, p.Arg250Cys (NM_001375606.1); c.766C>T, p.Arg256Cys (NM_001375607.1); c.523C>T, p.Arg175Cys (NM_001375608.1); c.556C>T, p.Arg186Cys (NM_001375609.1); and 2 more; short protein forms R194C, R175C, R186C, R192C, R215C, R228C, R249C, R250C.
Identifiers: ClinVar variation 161339 (VCV000161339.14), dbSNP rs371071104, ClinGen allele CA211724.

ClinVar aggregate classification (germline): Uncertain significance. Review status: criteria provided, multiple submitters, no conflicts (2 of 4 stars). 5 submissions from 5 submitters: Uncertain significance (4). 1 of the submissions does not count toward it. Last evaluated 2026-09-01.

Conditions:
Thrombophilia due to protein C deficiency, autosomal dominant. Also called: PROC DEFICIENCY, AUTOSOMAL DOMINANT; PROTEIN C DEFICIENCY, AUTOSOMAL DOMINANT. Identifiers: Orphanet 745, MedGen C2674321, MONDO:0008316, OMIM 176860. Disease mechanism: loss of function.
Thrombophilia due to protein C deficiency, autosomal recessive. Also called: PROC DEFICIENCY, AUTOSOMAL RECESSIVE; PROTEIN C DEFICIENCY, AUTOSOMAL RECESSIVE. Identifiers: Orphanet 745, MedGen C2676759, MONDO:0012860, OMIM 612304.

Allele frequency attached by ClinVar (database versions not stated): gnomAD 0.00004 and 0.00005; gnomAD exomes 0.00005 and 0.00006; ExAC 0.00006; TOPMed 0.00006; ESP Exome Variant Server 0.00008; 1000 Genomes Project 30x 0.00016; 1000 Genomes Project 0.00020.
gnomAD v4.1: 76 of 1,614,066 alleles (0.0047%); highest among the groups gnomAD compares: East Asian, 0.0067%; no homozygotes.

Submissions (5):

CeGaT Center for Human Genetics Tuebingen
Classification: Uncertain significance. Last evaluated: 2026-09-01. Review status: criteria provided, single submitter. Criteria: CeGaT Center For Human Genetics Tuebingen Variant Classification Criteria Version 2. Collection method: clinical testing. Allele origin: germline. Affected: yes. Observed: 2 variant alleles.
Comment: PROC: PM2, PM3, PS3:Supporting

Labcorp Genetics (formerly Invitae), Labcorp
Classification: Uncertain significance for Thrombophilia due to protein C deficiency, autosomal dominant. Last evaluated: 2025-05-07. Review status: criteria provided, single submitter. Criteria: Invitae Variant Classification Sherloc (09022015). Collection method: clinical testing. Allele origin: germline.
Comment: This sequence change replaces arginine, which is basic and polar, with cysteine, which is neutral and slightly polar, at codon 194 of the PROC protein (p.Arg194Cys). This variant is present in population databases (rs371071104, gnomAD 0.01%). This missense change has been observed in individuals with protein C deficiency (PMID: 7482420, 27517348). ClinVar contains an entry for this variant (Variation ID: 161339). An algorithm developed to predict the effect of missense changes on protein structure and function (PolyPhen-2) suggests that this variant is likely to be disruptive. Experimental studies are conflicting or provide insufficient evidence to determine the effect of this variant on PROC function (PMID: 27517348). In summary, the available evidence is currently insufficient to determine the role of this variant in disease. Therefore, it has been classified as a Variant of Uncertain Significance.

Women's Health and Genetics/Laboratory Corporation of America, LabCorp
Classification: Uncertain significance. Last evaluated: 2025-01-13. Review status: criteria provided, single submitter. Criteria: LabCorp Variant Classification Summary - May 2015. Collection method: clinical testing. Allele origin: germline.
Comment: Variant summary: PROC c.580C>T (p.Arg194Cys) results in a non-conservative amino acid change in the encoded protein sequence. Four of five in-silico tools predict a damaging effect of the variant on protein function. The variant allele was found at a frequency of 6e-05 in 251394 control chromosomes. This frequency is not significantly higher than estimated for a pathogenic variant in PROC causing Thrombophilia Due To Protein C Deficiency, Autosomal Recessive, allowing no conclusion about variant significance. c.580C>T has been reported in the literature in individuals affected with Thrombophilia Due To Protein C Deficiency in compound heterozyous state. These data do not allow any conclusion about variant significance. At least one publication reports experimental evidence evaluating an impact on protein function. The most pronounced variant effect results in about 55% of normal activity. The following publication have been ascertained in the context of this evaluation (PMID: 27517348). ClinVar contains an entry for this variant (Variation ID: 161339). Based on the evidence outlined above, the variant was classified as uncertain significance.

Knight Diagnostic Laboratories, Oregon Health and Sciences University
Classification: Uncertain significance for Thrombophilia due to protein C deficiency, autosomal recessive. Last evaluated: 2019-03-04. Review status: criteria provided, single submitter. Criteria: ACMG Guidelines, 2015. Collection method: clinical testing. Allele origin: germline. Observed: 1 variant allele.

CSER _CC_NCGL, University of Washington
Classification: Uncertain significance for Protein C deficiency. Last evaluated: 2014-06-01. Review status: no assertion criteria provided. Collection method: research. Allele origin: germline. Inheritance: Autosomal dominant inheritance. Study: ESP 6500 variant annotation. Not counted in ClinVar's aggregate classification.
Comment: Variants classified for the Actionable exomic incidental findings in 6503 participants: challenges of variant classification manuscript

Literature cited by the submitters: PubMed 7482420 (cited by Labcorp Genetics (formerly Invitae), Labcorp); PubMed 27517348 (cited by Labcorp Genetics (formerly Invitae), Labcorp and Women's Health and Genetics/Laboratory Corporation of America, LabCorp).